The following is an entry in ClinVar:

NM_004315.6(ASAH1):c.-10C>T

Gene: ASAH1 (N-acylsphingosine amidohydrolase 1; minus strand). Cytogenetic location: 8p22.
Variant type: single nucleotide variant.
Coding change: c.-10C>T on transcript NM_004315.6; 10 bases upstream of the start codon, C replaced by T.
Molecular consequence: 5 prime UTR variant.
Genome position (GRCh38, 1-based): chr8:18,084,811, G>A on the plus strand (C>T on the coding strand, the complement: ASAH1 is on the minus strand). VCF-style: chr8-18084811-G-A. GRCh37 (hg19) VCF-style: chr8-17942320-G-A.
Other names: c.-10C>T (NM_001127505.3).
Identifiers: ClinVar variation 4990156 (VCV004990156.1).

ClinVar aggregate classification (germline): Likely benign (1 of 4 stars; one submission).

Conditions:
ASAH1-related disorders. Also called: ASAH1-related condition; ASAH1-related disorder. Identifiers: MedGen CN376120, MONDO:0800460.

gnomAD v4.1: 10 of 1,612,892 alleles (0.00062%); highest among the groups gnomAD compares: Non-Finnish European, 0.00085%; no homozygotes.

Submission:

PreventionGenetics, part of Exact Sciences
Classification: Likely benign for ASAH1-related condition. Last evaluated: 2025-09-13. Review status: criteria provided, single submitter. Criteria: ACMG Guidelines, 2015. Collection method: clinical testing. Allele origin: germline.
Comment: This variant is classified as likely benign based on ACMG/AMP sequence variant interpretation guidelines (Richards et al. 2015 PMID: 25741868, with internal and published modifications).